The following is an entry in ClinVar:

ClinVar aggregate classification (germline): Uncertain significance (1 of 4 stars; one submission).

Conditions:
Hypertrophic cardiomyopathy. Also called: HYPERTROPHIC MYOCARDIOPATHY. Identifiers: Orphanet 217569, MedGen C0007194, MeSH D002312, MONDO:0005045, HP:0001639.

Submission:

Labcorp Genetics (formerly Invitae), Labcorp
Classification: Uncertain significance for Hypertrophic cardiomyopathy. Last evaluated: 2021-12-18. Review status: criteria provided, single submitter. Criteria: Invitae Variant Classification Sherloc (09022015). Collection method: clinical testing. Allele origin: germline.
Comment: In summary, the available evidence is currently insufficient to determine the role of this variant in disease. Therefore, it has been classified as a Variant of Uncertain Significance. This variant is found within a region of MYH7 between codons 181 and 937 that contains the majority of the myosin head domain. Missense variants in this region have been shown to be significantly overrepresented in individuals with hypertrophic cardiomyopathy (PMID: 27532257). Algorithms developed to predict the effect of missense changes on protein structure and function (SIFT, PolyPhen-2, Align-GVGD) all suggest that this variant is likely to be disruptive. This variant has not been reported in the literature in individuals affected with MYH7-related conditions. This variant is not present in population databases (gnomAD no frequency). This sequence change replaces glutamic acid, which is acidic and polar, with glutamine, which is neutral and polar, at codon 500 of the MYH7 protein (p.Glu500Gln).

Literature cited by the submitters: PubMed 27532257.

NM_000257.4(MYH7):c.1498G>C (p.Glu500Gln)

Gene: MYH7 (myosin heavy chain 7; minus strand). Cytogenetic location: 14q11.2.
Variant type: single nucleotide variant.
Coding change: c.1498G>C on transcript NM_000257.4 (MANE Select); coding-DNA position 1498, G replaced by C.
Protein change: p.Glu500Gln; replaces glutamic acid 500 with glutamine.
Molecular consequence: missense variant.
Genome position (GRCh38, 1-based): chr14:23,428,580, C>G on the plus strand (G>C on the coding strand, the complement: MYH7 is on the minus strand). VCF-style: chr14-23428580-C-G. GRCh37 (hg19) VCF-style: chr14-23897789-C-G.
Other names: c.1498G>C, p.Glu500Gln (NM_001407004.1); short protein forms E500Q.
Identifiers: ClinVar variation 2046291 (VCV002046291.4), dbSNP rs1555338255, ClinGen allele CA389050463.
Genomic context (GRCh38, chr14:23,428,580, plus strand): 5'-AGGCCTGCAGGTCCATGCCAAAGTCAATGAATGTCCACTCGATGCCCTCCTTCTTGTACT[C>G]CTCCTGCTCCAGCACAAACATGTGGTGGTTGAAGAACTGCTGCAGCTTCTCGTTGGTGAA-3'
Protein context (NP_000248.2, residues 490-510): NHHMFVLEQE[Glu500Gln]YKKEGIEWTF